The following is an entry in ClinVar:

NM_015047.3(EMC1):c.743T>C (p.Leu248Ser)

Genes: EMC1 (ER membrane protein complex subunit 1; minus strand), EMC1-AS1 (EMC1 antisense RNA 1; plus strand). Cytogenetic location: 1p36.13.
Variant type: single nucleotide variant.
Coding change: c.743T>C on transcript NM_015047.3 (MANE Select); coding-DNA position 743, T replaced by C.
Protein change: p.Leu248Ser; replaces leucine 248 with serine.
Molecular consequence: missense variant. On other transcripts: non-coding transcript variant (1).
Genome position (GRCh38, 1-based): chr1:19,240,340, A>G on the plus strand (T>C on the coding strand, the complement: EMC1 is on the minus strand). VCF-style: chr1-19240340-A-G. GRCh37 (hg19) VCF-style: chr1-19566834-A-G.
Other names: c.743T>C, p.Leu248Ser (NM_001271427.2, NM_001271428.2, NM_001375820.1 and 1 more transcripts); c.677T>C, p.Leu226Ser (NM_001271429.2); short protein forms L248S, L226S.
Identifiers: ClinVar variation 2785589 (VCV002785589.3), dbSNP rs1367795435, ClinGen allele CA338768897.
Genomic context (GRCh38, chr1:19,240,340, plus strand): 5'-CAGTGGCAGCCTCTCACCTGCAGTGGGATCTGTCTCAACTCCCATTCCGTCTCCAGAGCC[A>G]AAGTTTGGAGGGAACGTGAGCTCGGGTCAGGACACACCAGGACAGCCTCATCCACCACAC-3'
Protein context (NP_055862.1, residues 238-258): PDPSSRSLQT[Leu248Ser]ALETEWELRQ

ClinVar aggregate classification (germline): Uncertain significance (1 of 4 stars; one submission).

Submission:

Labcorp Genetics (formerly Invitae), Labcorp
Classification: Uncertain significance. Last evaluated: 2023-10-18. Review status: criteria provided, single submitter. Criteria: Invitae Variant Classification Sherloc (09022015). Collection method: clinical testing. Allele origin: germline.
Comment: This sequence change replaces leucine, which is neutral and non-polar, with serine, which is neutral and polar, at codon 248 of the EMC1 protein (p.Leu248Ser). This variant is present in population databases (no rsID available, gnomAD 0.0009%). This variant has not been reported in the literature in individuals affected with EMC1-related conditions. Advanced modeling of protein sequence and biophysical properties (such as structural, functional, and spatial information, amino acid conservation, physicochemical variation, residue mobility, and thermodynamic stability) performed at Invitae indicates that this missense variant is not expected to disrupt EMC1 protein function. In summary, the available evidence is currently insufficient to determine the role of this variant in disease. Therefore, it has been classified as a Variant of Uncertain Significance.